The following is an entry in ClinVar:

ClinVar aggregate classification (germline): Uncertain significance (1 of 4 stars; one submission).

Conditions:
Cerebral arteriopathy, autosomal dominant, with subcortical infarcts and leukoencephalopathy, type 1 (CADASIL1). Also called: Cerebral arteriopathy with subcortical infarcts and leukoencephalopathy 1; CADASIL 1; CASIL; DEMENTIA, HEREDITARY MULTIINFARCT TYPE. Identifiers: Orphanet 136, MedGen C4551768, MONDO:0000914, OMIM 125310.

Allele frequency attached by ClinVar (database versions not stated): ExAC 0.00001.
gnomAD v4.1: 3 of 1,613,608 alleles (0.00019%); highest among the groups gnomAD compares: South Asian, 0.0022%; no homozygotes.

Submission:

Centre for Mendelian Genomics, University Medical Centre Ljubljana
Classification: Uncertain significance for Cerebral arteriopathy, autosomal dominant, with subcortical infarcts and leukoencephalopathy, type 1. Last evaluated: 2018-11-28. Review status: criteria provided, single submitter. Criteria: ACMG Guidelines, 2015. Collection method: clinical testing. Allele origin: unknown. Affected: yes.
Comment: This variant was classified as: Uncertain significance. The available evidence on this variant's pathogenicity is insufficient or conflicting. The following ACMG criteria were applied in classifying this variant: PM2,BP4.

NM_000435.3(NOTCH3):c.679+15C>T

Gene: NOTCH3 (notch receptor 3; minus strand). Cytogenetic location: 19p13.12.
Variant type: single nucleotide variant.
Coding change: c.679+15C>T on transcript NM_000435.3 (MANE Select); 15 bases into the intron after coding-DNA position 679, C replaced by T.
Molecular consequence: intron variant.
Genome position (GRCh38, 1-based): chr19:15,191,945, G>A on the plus strand (C>T on the coding strand, the complement: NOTCH3 is on the minus strand). VCF-style: chr19-15191945-G-A. GRCh37 (hg19) VCF-style: chr19-15302756-G-A.
Identifiers: ClinVar variation 931975 (VCV000931975.3), dbSNP rs759323108, ClinGen allele CA9263828.